The following is an entry in ClinVar:

NM_001122955.4(BSCL2):c.1026_1027del (p.Asp342fs)

Genes: BSCL2 (BSCL2 lipid droplet biogenesis associated, seipin; minus strand), HNRNPUL2-BSCL2 (HNRNPUL2-BSCL2 readthrough (NMD candidate); minus strand). Cytogenetic location: 11q12.3.
Variant type: Deletion.
Coding change: c.1026_1027del on transcript NM_001122955.4 (MANE Select); coding-DNA positions 1026 to 1027, 2 bases deleted (CA; older notation c.1026_1027delCA).
Protein change: p.Asp342fs; shifts the reading frame from aspartic acid 342.
Molecular consequence: frameshift variant. On other transcripts: non-coding transcript variant (1).
Genome position (GRCh38, 1-based): chr11:62,691,120-62,691,121, TG deleted on the plus strand (CA on the coding strand, the reverse complement: BSCL2 is on the minus strand); deleting any 2 consecutive bases within chr11:62,691,120-62,691,122 gives the same sequence; the c. name uses the placement nearest the transcript's 3' end. VCF-style (leftmost placement, unchanged base first): chr11-62691119-TTG-T. GRCh37 (hg19) VCF-style: chr11-62458591-TTG-T.
Other names: c.692_693del, p.Thr231fs (NM_001130702.2); c.1026_1027del, p.Asp342fs (NM_001386027.1, NM_001386028.1); c.834_835del, p.Asp278fs (NM_032667.6); short protein forms D278fs, D342fs, T231fs.
Identifiers: ClinVar variation 4729018 (VCV004729018.1).

ClinVar aggregate classification (germline): Pathogenic (1 of 4 stars; one submission).

Conditions:
Charcot-Marie-Tooth disease type 2. Also called: Charcot-Marie-Tooth type 2. Identifiers: Orphanet 64746, MedGen C0270914, MONDO:0018993.

Submission:

Labcorp Genetics (formerly Invitae), Labcorp
Classification: Pathogenic for Charcot-Marie-Tooth disease type 2. Last evaluated: 2025-10-11. Review status: criteria provided, single submitter. Criteria: Invitae Variant Classification Sherloc (09022015). Collection method: clinical testing. Allele origin: germline.
Comment: This sequence change creates a premature translational stop signal (p.Asp278Glufs*18) in the BSCL2 gene. It is expected to result in an absent or disrupted protein product. Loss-of-function variants in BSCL2 are known to be pathogenic (PMID: 11479539, 23564749). This variant is not present in population databases (gnomAD no frequency). This variant has not been reported in the literature in individuals affected with BSCL2-related conditions. For these reasons, this variant has been classified as Pathogenic.

Literature cited by the submitters: PubMed 11479539; PubMed 23564749.